The following is an entry in ClinVar:

ClinVar aggregate classification (germline): Uncertain significance (1 of 4 stars; one submission).

Allele frequency attached by ClinVar (database versions not stated): gnomAD exomes below 0.00001.
gnomAD v4.1: 2 of 1,561,740 alleles (0.00013%); highest among the groups gnomAD compares: Non-Finnish European, 0.00017%; no homozygotes.

Submission:

Labcorp Genetics (formerly Invitae), Labcorp
Classification: Uncertain significance. Last evaluated: 2024-05-22. Review status: criteria provided, single submitter. Criteria: Invitae Variant Classification Sherloc (09022015). Collection method: clinical testing. Allele origin: germline.
Comment: This sequence change replaces alanine, which is neutral and non-polar, with threonine, which is neutral and polar, at codon 16 of the SUGCT protein (p.Ala16Thr). This variant is not present in population databases (gnomAD no frequency). This variant has not been reported in the literature in individuals affected with SUGCT-related conditions. Experimental studies and prediction algorithms are not available or were not evaluated, and the functional significance of this variant is currently unknown. In summary, the available evidence is currently insufficient to determine the role of this variant in disease. Therefore, it has been classified as a Variant of Uncertain Significance.

NM_001193313.2(SUGCT):c.25G>A (p.Ala9Thr)

Genes: SUGCT (succinyl-CoA:glutarate-CoA transferase; plus strand), LOC129998297 (ATAC-STARR-seq lymphoblastoid silent region 18118; plus strand). Cytogenetic location: 7p14.1.
Variant type: single nucleotide variant.
Coding change: c.25G>A on transcript NM_001193313.2 (MANE Select); coding-DNA position 25, G replaced by A.
Protein change: p.Ala9Thr; replaces alanine 9 with threonine.
Molecular consequence: missense variant.
Genome position (GRCh38, 1-based): chr7:40,135,045, G>A. VCF-style: chr7-40135045-G-A. GRCh37 (hg19) VCF-style: chr7-40174644-G-A.
Other names: c.25G>A, p.Ala9Thr (NM_001193311.2, NM_001193312.2, NM_024728.3); short protein forms A9T.
Identifiers: ClinVar variation 2985477 (VCV002985477.3), dbSNP rs907452137, ClinGen allele CA157713352.